The following is an entry in ClinVar:

NM_001374353.1(GLI2):c.1536G>C (p.Gly512=)

Gene: GLI2 (GLI family zinc finger 2; plus strand). Cytogenetic location: 2q14.2.
Variant type: single nucleotide variant.
Coding change: c.1536G>C on transcript NM_001374353.1 (MANE Select); coding-DNA position 1536, G replaced by C.
Protein change: p.Gly512=; no amino-acid change (glycine 512 retained).
Molecular consequence: synonymous variant.
Genome position (GRCh38, 1-based): chr2:120,982,784, G>C. VCF-style: chr2-120982784-G-C. GRCh37 (hg19) VCF-style: chr2-121740360-G-C.
Other names: c.1587G>C, p.Gly529= (NM_001371271.1, NM_005270.5); c.1161G>C, p.Gly387= (NM_001374354.1).
Identifiers: ClinVar variation 3051648 (VCV003051648.2), dbSNP rs1248370913, ClinGen allele CA428230192.
Genomic context (GRCh38, chr2:120,982,784, plus strand): 5'-CTGCTCGAAGGCCTACTCCCGCCTGGAGAACCTGAAGACACACCTGCGGTCCCACACCGG[G>C]GAGAAGCCATATGTGTGTGAGCACGAGGGCTGCAACAAAGCCTTCTCCAACGCCTCGGAC-3'
Protein context (NP_001361282.1, residues 502-522): NLKTHLRSHT[Gly512=]EKPYVCEHEG

ClinVar aggregate classification (germline): Likely benign (0 of 4 stars; one submission).

Conditions:
GLI2-related disorder. Also called: GLI2-related disorders; GLI2-related condition.

Allele frequency attached by ClinVar (database versions not stated): gnomAD exomes below 0.00001.
gnomAD v4.1: 2 of 1,614,034 alleles (0.00012%); highest among the groups gnomAD compares: South Asian, 0.0022%; no homozygotes.

Submission:

PreventionGenetics, part of Exact Sciences
Classification: Likely benign for GLI2-related condition. Last evaluated: 2023-04-26. Review status: no assertion criteria provided. Collection method: clinical testing. Allele origin: germline.
Comment: This variant is classified as likely benign based on ACMG/AMP sequence variant interpretation guidelines (Richards et al. 2015 PMID: 25741868, with internal and published modifications).